The following is an entry in ClinVar:

ClinVar aggregate classification (germline): Uncertain significance (1 of 4 stars; one submission).

Submission:

GeneDx
Classification: Uncertain significance. Last evaluated: 2026-04-15. Review status: criteria provided, single submitter. Criteria: GeneDx Variant Classification Process June 2021. Collection method: clinical testing. Allele origin: germline.
Comment: Not observed at significant frequency in large population cohorts (gnomAD); In silico analysis suggests that this missense variant does not alter protein structure/function; Has not been previously published as pathogenic or benign to our knowledge

NM_181303.2(NLGN3):c.1054C>A (p.Leu352Ile)

Gene: NLGN3 (neuroligin 3; plus strand). Cytogenetic location: Xq13.1.
Variant type: single nucleotide variant.
Coding change: c.1054C>A on transcript NM_181303.2 (MANE Select); coding-DNA position 1054, C replaced by A.
Protein change: p.Leu352Ile; replaces leucine 352 with isoleucine.
Molecular consequence: missense variant.
Genome position (GRCh38, 1-based): chrX:71,167,151, C>A. VCF-style: chrX-71167151-C-A. GRCh37 (hg19) VCF-style: chrX-70387001-C-A.
Other names: c.934C>A, p.Leu312Ile (NM_001166660.2); c.643C>A, p.Leu215Ile (NM_001321276.2, NM_001438298.1); c.703C>A, p.Leu235Ile (NM_001437941.1, NM_001438296.1); c.994C>A, p.Leu332Ile (NM_018977.4); short protein forms L215I, L235I, L312I, L332I, L352I.
Identifiers: ClinVar variation 5037097 (VCV005037097.1).
Genomic context (GRCh38, chrX:71,167,151, plus strand): 5'-AGCCTGCTGGCAGACAAAGTGGGCTGTAATGTGCTGGACACCGTGGATATGGTGGACTGT[C>A]TTCGGCAAAAGAGTGCCAAGGAGCTGGTAGAGCAGGACATCCAGCCAGCCCGCTACCACG-3'
Protein context (NP_851820.1, residues 342-362): VLDTVDMVDC[Leu352Ile]RQKSAKELVE